The following is an entry in ClinVar:

NM_015629.4(PRPF31):c.1164C>A (p.Tyr388Ter)

Gene: PRPF31 (pre-mRNA processing factor 31; plus strand). Cytogenetic location: 19q13.42.
Variant type: single nucleotide variant.
Coding change: c.1164C>A on transcript NM_015629.4 (MANE Select); coding-DNA position 1164, C replaced by A.
Protein change: p.Tyr388Ter; replaces tyrosine 388 with a stop codon.
Molecular consequence: nonsense.
Genome position (GRCh38, 1-based): chr19:54,129,074, C>A. VCF-style: chr19-54129074-C-A. GRCh37 (hg19) VCF-style: chr19-54632449-C-A.
Other names: short protein forms Y388*.
Identifiers: ClinVar variation 2105599 (VCV002105599.4), dbSNP rs2516205278, ClinGen allele CA407754419.

ClinVar aggregate classification (germline): Pathogenic (1 of 4 stars; one submission).

Submission:

Labcorp Genetics (formerly Invitae), Labcorp
Classification: Pathogenic. Last evaluated: 2022-03-02. Review status: criteria provided, single submitter. Criteria: Invitae Variant Classification Sherloc (09022015). Collection method: clinical testing. Allele origin: germline.
Comment: For these reasons, this variant has been classified as Pathogenic. This sequence change creates a premature translational stop signal (p.Tyr388*) in the PRPF31 gene. It is expected to result in an absent or disrupted protein product. Loss-of-function variants in PRPF31 are known to be pathogenic (PMID: 18317597, 23950152). This variant is not present in population databases (gnomAD no frequency). This variant has not been reported in the literature in individuals affected with PRPF31-related conditions.

Literature cited by the submitters: PubMed 18317597; PubMed 23950152.